The following is an entry in ClinVar:

ClinVar aggregate classification (germline): Likely benign. Review status: criteria provided, multiple submitters, no conflicts (2 of 4 stars). 2 submissions from 2 submitters: Likely benign (2). Last evaluated 2024-07-19.

Allele frequency attached by ClinVar (database versions not stated): ExAC 0.00001; TOPMed 0.00002.
gnomAD v4.1: 16 of 1,613,974 alleles (0.00099%); highest among the groups gnomAD compares: Middle Eastern, 0.016%; no homozygotes.

Submissions (2):

Labcorp Genetics (formerly Invitae), Labcorp
Classification: Likely benign. Last evaluated: 2024-07-19. Review status: criteria provided, single submitter. Criteria: Invitae Variant Classification Sherloc (09022015). Collection method: clinical testing. Allele origin: germline.

Laboratory for Molecular Medicine, Mass General Brigham Personalized Medicine
Classification: Likely benign. Last evaluated: 2015-04-17. Review status: criteria provided, single submitter. Criteria: LMM Criteria. Collection method: clinical testing. Allele origin: germline. Observed: 3 variant alleles.
Comment: p.Asp1944Asp in exon 41 of MYH9: This variant is not expected to have clinical s ignificance because it does not alter an amino acid residue and is not located w ithin the splice consensus sequence. It has been identified in 1/66614 of Europe an chromosomes by the Exome Aggregation Consortium (ExAC).

NM_002473.6(MYH9):c.5832C>T (p.Asp1944=)

Gene: MYH9 (myosin heavy chain 9; minus strand). Cytogenetic location: 22q12.3.
Variant type: single nucleotide variant.
Coding change: c.5832C>T on transcript NM_002473.6 (MANE Select); coding-DNA position 5832, C replaced by T.
Protein change: p.Asp1944=; no amino-acid change (aspartic acid 1944 retained).
Molecular consequence: synonymous variant.
Genome position (GRCh38, 1-based): chr22:36,282,719, G>A on the plus strand (C>T on the coding strand, the complement: MYH9 is on the minus strand). VCF-style: chr22-36282719-G-A. GRCh37 (hg19) VCF-style: chr22-36678765-G-A.
Identifiers: ClinVar variation 227617 (VCV000227617.8), dbSNP rs761625286, ClinGen allele CA10208893.